The following is an entry in ClinVar:

NM_018006.5(TRMU):c.248+19A>C

Gene: TRMU (tRNA mitochondrial 2-thiouridylase; plus strand). Cytogenetic location: 22q13.31.
Variant type: single nucleotide variant.
Coding change: c.248+19A>C on transcript NM_018006.5 (MANE Select); 19 bases into the intron after coding-DNA position 248, A replaced by C.
Molecular consequence: intron variant.
Genome position (GRCh38, 1-based): chr22:46,337,963, A>C. VCF-style: chr22-46337963-A-C. GRCh37 (hg19) VCF-style: chr22-46733860-A-C.
Other names: c.248+19A>C (NM_001282785.2); c.13+19A>C (NM_001282782.2); c.-7+19A>C (NM_001282783.2, NM_001282784.2).
Identifiers: ClinVar variation 383301 (VCV000383301.1), dbSNP rs1057521579, ClinGen allele CA16608680.

ClinVar aggregate classification (germline): Likely benign (1 of 4 stars; one submission).

Submission:

GeneDx
Classification: Likely benign. Last evaluated: 2016-03-11. Review status: criteria provided, single submitter. Criteria: GeneDx Variant Classification (06012015). Collection method: clinical testing. Allele origin: germline. Affected: yes.
Comment: This variant is considered likely benign or benign based on one or more of the following criteria: it is a conservative change, it occurs at a poorly conserved position in the protein, it is predicted to be benign by multiple in silico algorithms, and/or has population frequency not consistent with disease.